The following is an entry in ClinVar:

ClinVar aggregate classification (germline): Pathogenic/Likely pathogenic. Review status: criteria provided, multiple submitters, no conflicts (2 of 4 stars). 4 submissions from 4 submitters: Pathogenic (1); Likely pathogenic (3). Last evaluated 2024-04-03.

Conditions:
Autosomal recessive limb-girdle muscular dystrophy type 2C (LGMDR5). Also called: MUSCULAR DYSTROPHY, LIMB-GIRDLE, AUTOSOMAL RECESSIVE 5; MUSCULAR DYSTROPHY, DUCHENNE-LIKE. Identifiers: Orphanet 353, MedGen C0410173, MONDO:0009677, OMIM 253700. Disease mechanism: Affects gamma-sarcoglycan and also disrupts the integrity of the entire sarcoglycan complex..

Allele frequency attached by ClinVar (database versions not stated): gnomAD exomes below 0.00001.
gnomAD v4.1: 1 of 1,613,520 alleles (0.000062%); no homozygotes.

Submissions (4):

Fulgent Genetics
Classification: Likely pathogenic for Autosomal recessive limb-girdle muscular dystrophy type 2C. Last evaluated: 2024-04-03. Review status: criteria provided, single submitter. Criteria: ACMG Guidelines, 2015. Collection method: clinical testing. Allele origin: germline.

Baylor Genetics
Classification: Likely pathogenic for Autosomal recessive limb-girdle muscular dystrophy type 2C. Last evaluated: 2024-02-05. Review status: criteria provided, single submitter. Criteria: ACMG Guidelines, 2015. Collection method: clinical testing. Allele origin: unknown.

Labcorp Genetics (formerly Invitae), Labcorp
Classification: Pathogenic for Autosomal recessive limb-girdle muscular dystrophy type 2C. Last evaluated: 2023-08-28. Review status: criteria provided, single submitter. Criteria: Invitae Variant Classification Sherloc (09022015). Collection method: clinical testing. Allele origin: germline.
Comment: For these reasons, this variant has been classified as Pathogenic. ClinVar contains an entry for this variant (Variation ID: 1076779). This variant has not been reported in the literature in individuals affected with SGCG-related conditions. This variant is not present in population databases (gnomAD no frequency). This sequence change creates a premature translational stop signal (p.Glu171*) in the SGCG gene. It is expected to result in an absent or disrupted protein product. Loss-of-function variants in SGCG are known to be pathogenic (PMID: 18285821).

Revvity Omics, Revvity
Classification: Likely pathogenic for Autosomal recessive limb-girdle muscular dystrophy type 2C. Last evaluated: 2022-07-31. Review status: criteria provided, single submitter. Criteria: ACMG Guidelines, 2015. Collection method: clinical testing. Allele origin: germline.

Literature cited by the submitters: PubMed 18285821 (cited by Labcorp Genetics (formerly Invitae), Labcorp).

NM_000231.3(SGCG):c.511G>T (p.Glu171Ter)

Gene: SGCG (sarcoglycan gamma; plus strand). Cytogenetic location: 13q12.12.
Variant type: single nucleotide variant.
Coding change: c.511G>T on transcript NM_000231.3 (MANE Select); coding-DNA position 511, G replaced by T.
Protein change: p.Glu171Ter; replaces glutamic acid 171 with a stop codon.
Molecular consequence: nonsense.
Genome position (GRCh38, 1-based): chr13:23,295,420, G>T. VCF-style: chr13-23295420-G-T. GRCh37 (hg19) VCF-style: chr13-23869559-G-T.
Other names: c.565G>T, p.Glu189Ter (NM_001378244.1); c.511G>T, p.Glu171Ter (NM_001378245.1, NM_001378246.1); short protein forms E171*, E189*.
Identifiers: ClinVar variation 1076779 (VCV001076779.14), dbSNP rs1881865054, ClinGen allele CA387504270.